The following is an entry in ClinVar:

ClinVar aggregate classification (germline): Uncertain significance. Review status: criteria provided, multiple submitters, no conflicts (2 of 4 stars). 2 submissions from 2 submitters: Uncertain significance (2). Last evaluated 2025-06-03.

Conditions:
Inborn genetic diseases. Identifiers: MedGen C0950123, MeSH D030342.

Allele frequency attached by ClinVar (database versions not stated): TOPMed 0.00002; ExAC 0.00002; gnomAD exomes 0.00001.
gnomAD v4.1: 5 of 1,614,090 alleles (0.00031%); highest among the groups gnomAD compares: Admixed American, 0.0067%; no homozygotes.

Submissions (2):

Ambry Genetics
Classification: Uncertain significance for Inborn genetic diseases. Last evaluated: 2025-06-03. Review status: criteria provided, single submitter. Criteria: Ambry Variant Classification Scheme 2023. Collection method: clinical testing. Allele origin: germline.

Women's Health and Genetics/Laboratory Corporation of America, LabCorp
Classification: Uncertain significance. Last evaluated: 2020-03-23. Review status: criteria provided, single submitter. Criteria: LabCorp Variant Classification Summary - May 2015. Collection method: clinical testing. Allele origin: germline.
Comment: Variant summary: LIG3 c.1193A>G (p.Gln398Arg) results in a conservative amino acid change located in the ATP-dependent DNA ligase N-terminal domain (IPR012308). Four of five in-silico tools predict a benign effect of the variant on protein function. The variant allele was found at a frequency of 1.2e-05 in 251300 control chromosomes (gnomAD). The available data on variant occurrences in the general population are insufficient to allow any conclusion about variant significance. To our knowledge, no occurrence of c.1193A>G in individuals affected with Arrhythmia and no experimental evidence demonstrating its impact on protein function have been reported. No clinical diagnostic laboratories have submitted clinical-significance assessments for this variant to ClinVar after 2014. Based on the evidence outlined above, the variant was classified as uncertain significance.

NM_013975.4(LIG3):c.1193A>G (p.Gln398Arg)

Gene: LIG3 (DNA ligase 3; plus strand). Cytogenetic location: 17q12.
Variant type: single nucleotide variant.
Coding change: c.1193A>G on transcript NM_013975.4 (MANE Select); coding-DNA position 1193, A replaced by G.
Protein change: p.Gln398Arg; replaces glutamine 398 with arginine.
Molecular consequence: missense variant.
Genome position (GRCh38, 1-based): chr17:34,991,822, A>G. VCF-style: chr17-34991822-A-G. GRCh37 (hg19) VCF-style: chr17-33318841-A-G.
Other names: c.1193A>G, p.Gln398Arg (NM_002311.5); short protein forms Q398R.
Identifiers: ClinVar variation 918101 (VCV000918101.2), dbSNP rs781367751, ClinGen allele CA8498265.
Genomic context (GRCh38, chr17:34,991,822, plus strand): 5'-ATGAGTTCCTTCTGCGGCTGTCCAAGCTCACCAAGGAGGATGAGCAGCAACAGGCCCTAC[A>G]GGACATTGCCTCCAGGTGGGGGAGCTGCCTCCGTCAAACCATGCCCATAGAGAGATGAAC-3'
Protein context (NP_039269.2, residues 388-408): TKEDEQQQAL[Gln398Arg]DIASRCTAND